The following is an entry in ClinVar:

ClinVar aggregate classification (germline): Conflicting classifications of pathogenicity. Review status: criteria provided, conflicting classifications (1 of 4 stars). 11 submissions from 10 submitters: Uncertain significance (1); Benign (7); Likely benign (3). Last evaluated 2026-02-03.

Conditions:
Connective tissue disorder. Also called: Connective tissue disease. Identifiers: MedGen C0009782, MONDO:0003900.
Jeune thoracic dystrophy. Also called: Short-rib thoracic dysplasia; Jeune syndrome; Infantile thoracic dystrophy; Thoracic pelvic phalangeal dystrophy; Jeune's syndrome; Chondroectodermal dysplasia-like syndrome. Identifiers: Orphanet 474, MedGen C0265275, MONDO:0018770.
Nephronophthisis. Also called: Juvenile Nephronophthisis. Identifiers: Orphanet 655, MedGen C0687120, MONDO:0019005, HP:0000090.
Nephronophthisis 12 (NPHP12). Identifiers: Orphanet 655, MedGen C3151186, MONDO:0013442, OMIM 613820.
Asphyxiating thoracic dystrophy 4 (SRTD4). Also called: SHORT-RIB THORACIC DYSPLASIA 4 WITH OR WITHOUT POLYDACTYLY; SHORT-RIB THORACIC DYSPLASIA 4. Identifiers: Orphanet 474, MedGen C3151185, MONDO:0013441, OMIM 613819.

Allele frequency attached by ClinVar (database versions not stated): ESP Exome Variant Server 0.00169; gnomAD 0.00235 and 0.00279; TOPMed 0.00255; 1000 Genomes Project 0.00339; 1000 Genomes Project 30x 0.00390; gnomAD exomes 0.00421; ExAC 0.00427.
gnomAD v4.1: 4,752 of 1,614,122 alleles (0.29%); highest among the groups gnomAD compares: Middle Eastern, 1.8%; 33 homozygotes.

Submissions (11):

Labcorp Genetics (formerly Invitae), Labcorp
Classification: Benign for Jeune thoracic dystrophy; Nephronophthisis. Last evaluated: 2026-02-03. Review status: criteria provided, single submitter. Criteria: Invitae Variant Classification Sherloc (09022015). Collection method: clinical testing. Allele origin: germline.

Mayo Clinic Laboratories, Mayo Clinic
Classification: Benign. Last evaluated: 2025-03-13. Review status: criteria provided, single submitter. Criteria: ACMG Guidelines, 2015. Collection method: clinical testing. Allele origin: germline. Observed: 4 variant alleles.
Comment: BS1, BS2, BP5

Blueprint Genetics
Classification: Likely benign. Last evaluated: 2024-11-26. Review status: criteria provided, single submitter. Criteria: ACMG Guidelines, 2015. Collection method: clinical testing. Allele origin: germline.

ARUP Laboratories, Molecular Genetics and Genomics, ARUP Laboratories
Classification: Benign. Last evaluated: 2023-11-11. Review status: criteria provided, single submitter. Criteria: ARUP Molecular Germline Variant Investigation Process 2024. Collection method: clinical testing. Allele origin: germline.

CeGaT Center for Human Genetics Tuebingen
Classification: Benign. Last evaluated: 2022-07-01. Review status: criteria provided, single submitter. Criteria: CeGaT Center For Human Genetics Tuebingen Variant Classification Criteria Version 2. Collection method: clinical testing. Allele origin: germline. Affected: yes. Observed: 1 variant allele.
Comment: TTC21B: BP4, BS1, BS2

Genome Diagnostics Laboratory, The Hospital for Sick Children
Classification: Benign for Connective tissue disorder. Last evaluated: 2022-04-25. Review status: criteria provided, single submitter. Criteria: ACMG Guidelines, 2015. Collection method: clinical testing. Allele origin: germline.

Illumina Laboratory Services, Illumina
Classification: Likely benign for Nephronophthisis 12. Last evaluated: 2018-01-13. Review status: criteria provided, single submitter. Criteria: ICSL Variant Classification Criteria 13 December 2019. Collection method: clinical testing. Allele origin: germline.
Comment: This variant was observed in the ICSL laboratory as part of a predisposition screen in an ostensibly healthy population. It had not been previously curated by ICSL or reported in the Human Gene Mutation Database (HGMD: prior to June 1st, 2018), and was therefore a candidate for classification through an automated scoring system. Utilizing variant allele frequency, disease prevalence and penetrance estimates, and inheritance mode, an automated score was calculated to assess if this variant is too frequent to cause the disease. Based on the score and internal cut-off values, a variant classified as likely benign is not then subjected to further curation. The score for this variant resulted in a classification of likely benign for this disease.

Illumina Laboratory Services, Illumina
Classification: Likely benign for Asphyxiating thoracic dystrophy 4. Last evaluated: 2018-01-13. Review status: criteria provided, single submitter. Criteria: ICSL Variant Classification Criteria 13 December 2019. Collection method: clinical testing. Allele origin: germline.
Comment: the same text as in the submission from Illumina Laboratory Services, Illumina above.

GeneDx
Classification: Benign. Last evaluated: 2017-01-25. Review status: criteria provided, single submitter. Criteria: GeneDx Variant Classification (06012015). Collection method: clinical testing. Allele origin: germline. Affected: yes.
Comment: This variant is considered likely benign or benign based on one or more of the following criteria: it is a conservative change, it occurs at a poorly conserved position in the protein, it is predicted to be benign by multiple in silico algorithms, and/or has population frequency not consistent with disease.

Genetic Services Laboratory, University of Chicago
Classification: Uncertain significance. Last evaluated: 2013-09-16. Review status: criteria provided, single submitter. Criteria: ACMG Guidelines, 2007. Collection method: clinical testing. Allele origin: germline. Inheritance: Autosomal recessive inheritance.

PreventionGenetics, part of Exact Sciences
Classification: Benign. Review status: criteria provided, single submitter. Criteria: ACMG Guidelines, 2015. Collection method: clinical testing. Allele origin: germline.

Literature cited by the submitters: PubMed 35695966 (cited by Mayo Clinic Laboratories, Mayo Clinic).

NM_024753.5(TTC21B):c.1846C>T (p.Arg616Cys)

Gene: TTC21B (tetratricopeptide repeat domain 21B; minus strand). Cytogenetic location: 2q24.3.
Variant type: single nucleotide variant.
Coding change: c.1846C>T on transcript NM_024753.5 (MANE Select); coding-DNA position 1846, C replaced by T.
Protein change: p.Arg616Cys; replaces arginine 616 with cysteine.
Molecular consequence: missense variant.
Genome position (GRCh38, 1-based): chr2:165,917,310, G>A on the plus strand (C>T on the coding strand, the complement: TTC21B is on the minus strand). VCF-style: chr2-165917310-G-A. GRCh37 (hg19) VCF-style: chr2-166773820-G-A.
Other names: short protein forms R616C.
Identifiers: ClinVar variation 130651 (VCV000130651.57), dbSNP rs139441507, ClinGen allele CA231579.